The following is an entry in ClinVar:

NM_006767.4(LZTR1):c.791+1G>A

Gene: LZTR1 (leucine zipper like post translational regulator 1; plus strand). Cytogenetic location: 22q11.21.
Variant type: single nucleotide variant.
Coding change: c.791+1G>A on transcript NM_006767.4 (MANE Select); the canonical splice donor site of the intron after coding-DNA position 791, G replaced by A.
Molecular consequence: splice donor variant.
Genome position (GRCh38, 1-based): chr22:20,990,526, G>A. VCF-style: chr22-20990526-G-A. GRCh37 (hg19) VCF-style: chr22-21344815-G-A.
Identifiers: ClinVar variation 872339 (VCV000872339.64), dbSNP rs148031742, ClinGen allele CA10118614.

ClinVar aggregate classification (germline): Pathogenic/Likely pathogenic. Review status: criteria provided, multiple submitters, no conflicts (2 of 4 stars). 13 submissions from 13 submitters: Pathogenic (8); Likely pathogenic (4). 1 of the submissions does not count toward it. Last evaluated 2026-02-21.

Conditions:
Cardiovascular phenotype. Identifiers: MedGen CN230736.
Hereditary cancer-predisposing syndrome. Also called: Hereditary Cancer Syndrome; Neoplastic Syndromes, Hereditary; Tumor predisposition; Hereditary neoplastic syndrome. Identifiers: Orphanet 140162, MedGen C0027672, MeSH D009386, MONDO:0015356.
Noonan syndrome 2 (NS2). Identifiers: Orphanet 648, MedGen C1854469, MONDO:0011531, OMIM 605275.
LZTR1-related schwannomatosis. Also called: Schwannomatosis-2, susceptibility to; Schwannomatosis 2. Identifiers: Orphanet 93921, MedGen C3810283, MONDO:0014299, OMIM 615670.
LZTR1-related disorder. Also called: LZTR1-related disorders; LZTR1-related condition.
Noonan syndrome 10 (NS10). Identifiers: Orphanet 648, MedGen C4225280, MONDO:0014693, OMIM 616564.
Schwannomatosis. Identifiers: Orphanet 93921, MedGen C1335929, MeSH C536641, MONDO:0008075.

Allele frequency attached by ClinVar (database versions not stated): TOPMed 0.00005; ESP Exome Variant Server 0.00015.
gnomAD v4.1: 65 of 1,608,382 alleles (0.004%); highest among the groups gnomAD compares: Middle Eastern, 0.016%; no homozygotes.

Submissions (13):

Foundation for Research in Genetics and Endocrinology, FRIGE's Institute of Human Genetics
Classification: Pathogenic for Noonan syndrome 10. Last evaluated: 2026-02-21. Review status: criteria provided, single submitter. Criteria: ACMG Guidelines, 2015. Collection method: clinical testing. Allele origin: germline. Inheritance: Autosomal dominant inheritance. Affected: yes. Observed: 1 heterozygote.
Comment: A heterozygous variant, c.791+1G>A (p.?) in intron 8 of the LZTR1 gene was identified. This variant has not been reported in the 1000 genomes database and has a minimum allele frequency of 0.008% and 0.0112% in gnomAD and ExAC databases, respectively. The in silico predictions of this variant are deleterious by DANN, MutationTaster and BayesDel.

Labcorp Genetics (formerly Invitae), Labcorp
Classification: Pathogenic. Last evaluated: 2026-01-27. Review status: criteria provided, single submitter. Criteria: Invitae Variant Classification Sherloc (09022015). Collection method: clinical testing. Allele origin: germline.
Comment: This sequence change affects a donor splice site in intron 8 of the LZTR1 gene. RNA analysis indicates that disruption of this splice site induces altered splicing and may result in an absent or altered protein product. This variant is present in population databases (rs148031742, gnomAD 0.02%). Disruption of this splice site has been observed in individual(s) with clinical features of schwannomatosis (PMID: 25335493, 28295212). ClinVar contains an entry for this variant (Variation ID: 872339). Studies have shown that disruption of this splice site results in retention of 93 bps of intron 8, and produces a non-functional protein and/or introduces a premature termination codon (PMID: 28295212). For these reasons, this variant has been classified as Pathogenic.

Institute of Human Genetics, University of Leipzig Medical Center
Classification: Pathogenic for LZTR1-related schwannomatosis. Last evaluated: 2025-08-11. Review status: criteria provided, single submitter. Criteria: ACMG Guidelines, 2015. Collection method: clinical testing. Allele origin: unknown. Inheritance: Autosomal dominant inheritance. Affected: yes.
Comment: Criteria applied: PVS1,PS4_MOD

Ambry Genetics
Classification: Likely pathogenic for Cardiovascular phenotype; Hereditary cancer-predisposing syndrome. Last evaluated: 2025-07-18. Review status: criteria provided, single submitter. Criteria: Ambry Variant Classification Scheme 2023. Collection method: clinical testing. Allele origin: germline.
Comment: The c.791+1G>A intronic variant results from a G to A substitution one nucleotide after coding exon 8 of the LZTR1 gene. This nucleotide position is highly conserved in available vertebrate species. Further, RNA-based targeted analysis confirmed mis-splicing of LZTR1 intron 8, predicted to result in a premature stop codon (Gripp KW et al. Clin Genet, 2017 Nov;92:540-543; Ambry internal data). This alteration has also been reported in a sibling pair from a cohort of individuals with schwannomatosis (Paganini I et al. Eur J Hum Genet, 2015 Jul;23:963-8). Alterations that disrupt the canonical splice site are expected to cause aberrant splicing, resulting in an abnormal protein or a transcript that is subject to nonsense-mediated mRNA decay. Loss-of-function variants in LZTR1 are related to an increased risk for schwannomas and autosomal recessive Noonan syndrome; however, such associations with autosomal dominant Noonan syndrome have not been observed (Piotrowski A et al. Nat Genet. 2014 Feb;46:182-7; Yamamoto GL et al. J Med Genet. 2015 Jun;52:413-21; Johnston JJ et al. Genet Med. 2018 10;20:1175-1185). Based on the supporting evidence, this variant is likely pathogenic for an increased risk of LZTR1-related schwannomatosis (SWN) and would be expected to cause autosomal recessive Noonan syndrome when present along with a second pathogenic or likely pathogenic variant on the other allele; however, the association of this alteration with autosomal dominant Noonan syndrome is unlikely.

Dasa
Classification: Pathogenic. Last evaluated: 2025-04-11. Review status: criteria provided, single submitter. Criteria: DASA Assertion Criteria. Collection method: clinical testing. Allele origin: germline.
Comment: NM_006767.4(LZTR1):c.791+1G>A affects a canonical splice site and is predicted to disrupt normal RNA splicing, leading to loss of normal protein function. Loss-of-function is an established mechanism of disease for this gene. Segregation evidence has been reported in affected families. Functional evidence supports a deleterious effect on the gene or gene product (PMID: 25335493; PMID: 28295212). This variant has been recurrently observed in individuals with related phenotype (PMID: 25335493; PMID: 28295212). The variant is present at low frequency in population datasets. Based on the available data, this variant is classified as pathogenic.

Revvity Omics, Revvity
Classification: Pathogenic. Last evaluated: 2025-03-20. Review status: criteria provided, single submitter. Criteria: ACMG Guidelines, 2015. Collection method: clinical testing. Allele origin: germline.

New York Genome Center
Classification: Pathogenic for Noonan syndrome 2. Last evaluated: 2024-05-31. Review status: criteria provided, single submitter. Criteria: NYGC Assertion Criteria 2020. Collection method: clinical testing. Allele origin: inherited. Affected: yes. Observed: 1 variant allele, 1 compound heterozygote.
Comment: The inherited c.791+1G>A variant has previously been reported in the literature in heterozygous state in individuals with LZTR1 related SchwannomatosisType 2 [PMID:25335493,28295212] and it has been deposited in ClinVar [ClinVar ID:872339] as Likely Pathogenic or Pathogenic by multiple submitters with affectedstatus provided. The c.791+1G>A variant has been observed on 65 alleles (~0.004% minor allele frequency with 0 homozygotes) in gnomAD v4.1.0 and 29 alleles (0.006% allele frequency, 0 homozygotes) in the All of Us database, suggesting it is not a common benign variant in the populations represented in those databases.The c.791+1G>A variant is located in the canonical splice donor site of intron 8 of this 21-exon gene and has been shown to result in retention of 91 bases of intronic sequence and result in a premature stop codon and loss of function through nonsense mediated RNA decay [PMID: 28295212]. Based on available evidence, this heterozygous inherited c.791+1G>A variant identified in the LZTR1 gene is classified here as Pathogenic.

Women's Health and Genetics/Laboratory Corporation of America, LabCorp
Classification: Pathogenic for Schwannomatosis. Last evaluated: 2024-04-01. Review status: criteria provided, single submitter. Criteria: LabCorp Variant Classification Summary - May 2015. Collection method: clinical testing. Allele origin: germline.
Comment: Variant summary: LZTR1 c.791+1G>A is located in a canonical splice-site and is predicted to affect mRNA splicing resulting in a significantly altered protein due to either exon skipping, shortening, or inclusion of intronic material. Several computational tools predict a significant impact on normal splicing: Four predict the variant abolishes a 5' splicing donor site. At least one publication reports experimental evidence that this variant affects mRNA splicing, showing the variant results in a shortened transcript (e.g. Gripp_2017). The variant allele was found at a frequency of 8.1e-05 in 245940 control chromosomes. c.791+1G>A has been reported in the literature in individuals affected with Schwannomatosis (e.g. Gripp_2017, Paganini_2015). These data indicate that the variant is likely to be associated with disease. ClinVar contains an entry for this variant (Variation ID: 872339). Germline loss of function mutations in LZTR1 have been reported to predispose to an inherited disorder of multiple schwannomas (Piotrowski_2014) and recessive noonan syndrome (Johnston_2018). Based on the evidence outlined above, the variant was classified as pathogenic for the risk of multiple schwannomas and recessive noonan syndrome and as a variant of uncertain clinical significance for the phenotype NSRD.

Baylor Genetics
Classification: Pathogenic for LZTR1-related schwannomatosis. Last evaluated: 2024-02-15. Review status: criteria provided, single submitter. Criteria: ACMG Guidelines, 2015. Collection method: clinical testing. Allele origin: unknown.

CeGaT Center for Human Genetics Tuebingen
Classification: Likely pathogenic. Last evaluated: 2023-08-01. Review status: criteria provided, single submitter. Criteria: CeGaT Center For Human Genetics Tuebingen Variant Classification Criteria Version 2. Collection method: clinical testing. Allele origin: germline. Affected: yes. Observed: 2 variant alleles.
Comment: LZTR1: PVS1

Blueprint Genetics
Classification: Likely pathogenic for LZTR1-related disorders. Last evaluated: 2023-03-09. Review status: criteria provided, single submitter. Criteria: ACMG Guidelines, 2015. Collection method: clinical testing. Allele origin: germline. Affected: yes. Observed: 4 variant alleles.

Juno Genomics, Hangzhou Juno Genomics, Inc
Classification: Likely pathogenic for LZTR1-related schwannomatosis. Review status: criteria provided, single submitter. Criteria: ACMG Guidelines, 2015. Collection method: clinical testing. Allele origin: germline.
Comment: Null variant in a gene where loss of function (LOF) is a known mechanism of disease.;The prevalence of the variant in affected individuals is significantly increased compared to the prevalence in controls.

Genetic Services Laboratory, University of Chicago
Classification: Pathogenic. Last evaluated: 2022-10-31. Review status: no assertion criteria provided. Collection method: clinical testing. Allele origin: germline. Affected: yes. Not counted in ClinVar's aggregate classification.
Comment: DNA sequence analysis of the LZTR1 gene demonstrated a sequence change in the canonical splice donor site of intron 8, c.791+1G>A. This sequence change has been described in the gnomAD database with a frequency of 0.012% in the Finnish subpopulation (dbSNP rs148031742). This pathogenic sequence change has previously been described in individuals with LZTR1-related Schwannomatosis (PMID: 25335493, 28295212) RNA analysis in previously reported individuals showed this sequence change resulted in missplicing of LZTR1 (PMID: 28295212). This pathogenic sequence change is predicted to affect normal splicing of the LZTR1 gene and result in an abnormal protein. Pathogenic variants in LZTR1 are associated with autosomal dominant and autosomal recessive Noonan Syndrome [OMIM# 616564, 605275]. Heterozygous pathogenic missense variants in the Kelch domains of the LZTR1 protein have been identified in individuals with autosomal dominant Noonan syndrome, whereas, biallelic loss-of-function variants result in autosomal recessive Noonan syndrome (PMID: 30859559). Heterozygous carriers of loss-of-function LZTR1 variants typically do not have features of Noonan syndrome, however, they are at an increased risk of developing multiple Schwannomas (PMID: 24362817). Not all individuals with loss-of-function variants will develop Schwannomas and tumor development is dependent on multiple additional somatic events occurring within the tumor [OMIM# 615670]. The LZTR1 cDNA reference sequence used is NM_006767.4

Literature cited by the submitters: PubMed 25335493 (cited by 5 submitters); PubMed 28295212 (cited by 5 submitters).